The following is an entry in ClinVar:

ClinVar aggregate classification (germline): Uncertain significance. Review status: criteria provided, multiple submitters, no conflicts (2 of 4 stars). 4 submissions from 4 submitters: Uncertain significance (3). 1 of the submissions does not count toward it. Last evaluated 2024-11-11.

Conditions:
Salla disease (SD). Also called: Less Severe FSASD (Salla Disease); Sialuria, Finnish type; N-acetylneuraminic acid (NANA) storage disease (NSD); Infantile sialic acid storage disorder (ISSD). Identifiers: Orphanet 309334, Orphanet 834, MedGen C1096903, MONDO:0011449, OMIM 604369.

Allele frequency attached by ClinVar (database versions not stated): gnomAD exomes below 0.00001 and 0.00001; TOPMed 0.00003; ExAC 0.00004; gnomAD 0.00008 and 0.00009.
gnomAD v4.1: 17 of 1,446,598 alleles (0.0012%); highest among the groups gnomAD compares: African/African-American, 0.024%; no homozygotes.

Submissions (4):

Labcorp Genetics (formerly Invitae), Labcorp
Classification: Uncertain significance for Salla disease. Last evaluated: 2024-11-11. Review status: criteria provided, single submitter. Criteria: Invitae Variant Classification Sherloc (09022015). Collection method: clinical testing. Allele origin: germline.
Comment: This sequence change replaces threonine, which is neutral and polar, with serine, which is neutral and polar, at codon 235 of the SLC17A5 protein (p.Thr235Ser). This variant is present in population databases (rs747385791, gnomAD 0.03%). This variant has not been reported in the literature in individuals affected with SLC17A5-related conditions. ClinVar contains an entry for this variant (Variation ID: 1055885). Invitae Evidence Modeling of protein sequence and biophysical properties (such as structural, functional, and spatial information, amino acid conservation, physicochemical variation, residue mobility, and thermodynamic stability) indicates that this missense variant is not expected to disrupt SLC17A5 protein function with a negative predictive value of 95%. In summary, the available evidence is currently insufficient to determine the role of this variant in disease. Therefore, it has been classified as a Variant of Uncertain Significance.

Genome-Nilou Lab
Classification: Uncertain significance for Salla disease. Last evaluated: 2021-09-05. Review status: criteria provided, single submitter. Criteria: ACMG Guidelines, 2015. Collection method: clinical testing. Allele origin: germline. Affected: no.

Mayo Clinic Laboratories, Mayo Clinic
Classification: Uncertain significance. Last evaluated: 2019-04-03. Review status: criteria provided, single submitter. Criteria: ACMG Guidelines, 2015. Collection method: clinical testing. Allele origin: germline. Observed: 1 variant allele.

Natera, Inc.
Classification: Uncertain significance for Salla disease. Last evaluated: 2020-10-17. Review status: no assertion criteria provided. Collection method: clinical testing. Allele origin: germline. Not counted in ClinVar's aggregate classification.

NM_012434.5(SLC17A5):c.703A>T (p.Thr235Ser)

Gene: SLC17A5 (solute carrier family 17 member 5; minus strand). Cytogenetic location: 6q13.
Variant type: single nucleotide variant.
Coding change: c.703A>T on transcript NM_012434.5 (MANE Select); coding-DNA position 703, A replaced by T.
Protein change: p.Thr235Ser; replaces threonine 235 with serine.
Molecular consequence: missense variant.
Genome position (GRCh38, 1-based): chr6:73,635,498, T>A on the plus strand (A>T on the coding strand, the complement: SLC17A5 is on the minus strand). VCF-style: chr6-73635498-T-A. GRCh37 (hg19) VCF-style: chr6-74345221-T-A.
Other names: c.472A>T, p.Thr158Ser (NM_001382629.1); c.703A>T, p.Thr235Ser (NM_001382630.1, NM_001382633.1, NM_001382634.1); c.724A>T, p.Thr242Ser (NM_001382631.1); c.616A>T, p.Thr206Ser (NM_001382632.1); c.700A>T, p.Thr234Ser (NM_001382635.1); c.385A>T, p.Thr129Ser (NM_001382636.1); short protein forms T129S, T158S, T206S, T234S, T235S, T242S.
Identifiers: ClinVar variation 1055885 (VCV001055885.16), dbSNP rs747385791, ClinGen allele CA3890451.